The following is an entry in ClinVar:

ClinVar aggregate classification (germline): Uncertain significance. Review status: criteria provided, single submitter (1 of 4 stars). 2 submissions from 2 submitters: Uncertain significance (1). 1 of the submissions does not count toward it. Last evaluated 2023-04-25.

Conditions:
UROD-related phototoxic porphyria. Also called: UROD-related inherited porphyria. Identifiers: MedGen CN315923, MONDO:0100498.
UROD-related disorder. Also called: UROD-related condition; UROD-related disorders.

Submissions (2):

Department of Pathology and Laboratory Medicine, Sinai Health System
Classification: Uncertain significance for UROD-related inherited porphyria. Last evaluated: 2023-04-25. Review status: criteria provided, single submitter. Criteria: ACMG Guidelines, 2015. Collection method: research. Allele origin: germline.

PreventionGenetics, part of Exact Sciences
Classification: Likely benign for UROD-related condition. Last evaluated: 2023-08-08. Review status: no assertion criteria provided. Collection method: clinical testing. Allele origin: germline. Not counted in ClinVar's aggregate classification.
Comment: This variant is classified as likely benign based on ACMG/AMP sequence variant interpretation guidelines (Richards et al. 2015 PMID: 25741868, with internal and published modifications).

NM_000374.5(UROD):c.21-10T>A

Gene: UROD (uroporphyrinogen decarboxylase; plus strand). Cytogenetic location: 1p34.1.
Variant type: single nucleotide variant.
Coding change: c.21-10T>A on transcript NM_000374.5 (MANE Select); 10 bases into the intron before coding-DNA position 21, T replaced by A.
Molecular consequence: intron variant. On other transcripts: non-coding transcript variant (2).
Genome position (GRCh38, 1-based): chr1:45,012,897, T>A. VCF-style: chr1-45012897-T-A. GRCh37 (hg19) VCF-style: chr1-45478569-T-A.
Identifiers: ClinVar variation 3061020 (VCV003061020.3), dbSNP rs1569959434, ClinGen allele CA1001201484.